The following is an entry in ClinVar:

NM_001130987.2(DYSF):c.1276+11C>T

Gene: DYSF (dysferlin; plus strand). Cytogenetic location: 2p13.2.
Variant type: single nucleotide variant.
Coding change: c.1276+11C>T on transcript NM_001130987.2 (MANE Select); 11 bases into the intron after coding-DNA position 1276, C replaced by T.
Molecular consequence: intron variant.
Genome position (GRCh38, 1-based): chr2:71,526,357, C>T. VCF-style: chr2-71526357-C-T. GRCh37 (hg19) VCF-style: chr2-71753487-C-T.
Other names: c.1273+11C>T (NM_001130979.2, NM_001130981.2, NM_001130980.2); c.1180+11C>T (NM_001130978.2, NM_003494.4, NM_001130977.2 and 1 more transcripts); c.1276+11C>T (NM_001130982.2, NM_001130985.2); c.1183+11C>T (NM_001130983.2, NM_001130455.2, NM_001130984.2 and 1 more transcripts).
Identifiers: ClinVar variation 94265 (VCV000094265.26), dbSNP rs35982795, ClinGen allele CA147719.

ClinVar aggregate classification (germline): Benign/Likely benign. Review status: criteria provided, multiple submitters, no conflicts (2 of 4 stars). 11 submissions from 9 submitters: Benign (10); Likely benign (1). Last evaluated 2026-02-04.

Conditions:
Distal myopathy with anterior tibial onset. Identifiers: Orphanet 178400, MedGen C1847532, MONDO:0011721, OMIM 606768.
Neuromuscular disease caused by qualitative or quantitative defects of dysferlin. Also called: Dysferlinopathy; Qualitative or quantitative defects of dysferlin. Identifiers: Orphanet 207073, MedGen C2931687, MONDO:0016145.
Autosomal recessive limb-girdle muscular dystrophy type 2B (LGMDR2). Also called: MUSCULAR DYSTROPHY, LIMB-GIRDLE, TYPE 3; Limb-Girdle Muscular Dystrophy Type 2B (LGMD2B); Limb-girdle muscular dystrophy, type 2B; MUSCULAR DYSTROPHY, LIMB-GIRDLE, AUTOSOMAL RECESSIVE 2. Identifiers: Orphanet 268, MedGen C1850889, MONDO:0009676, OMIM 253601.
Miyoshi muscular dystrophy 1 (MMD1). Identifiers: Orphanet 45448, MedGen C4551973, MONDO:0024545, OMIM 254130.

Allele frequency attached by ClinVar (database versions not stated): 1000 Genomes Project 0.11362; gnomAD exomes 0.11594 and 0.14214; 1000 Genomes Project 30x 0.11868; ExAC 0.12085; TOPMed 0.14517; gnomAD 0.14937 and 0.15096; ESP Exome Variant Server 0.15380.
gnomAD v4.1: 210,728 of 1,473,386 alleles (14%); highest among the groups gnomAD compares: African/African-American, 21%; 14,988 homozygotes.

Submissions (13):

Labcorp Genetics (formerly Invitae), Labcorp
Classification: Benign for Neuromuscular disease caused by qualitative or quantitative defects of dysferlin. Last evaluated: 2026-02-04. Review status: criteria provided, single submitter. Criteria: Invitae Variant Classification Sherloc (09022015). Collection method: clinical testing. Allele origin: germline.

Blueprint Genetics
Classification: Benign. Last evaluated: 2024-11-26. Review status: criteria provided, single submitter. Criteria: ACMG Guidelines, 2015. Collection method: clinical testing. Allele origin: germline.

Genome-Nilou Lab
Classification: Benign for Autosomal recessive limb-girdle muscular dystrophy type 2B. Last evaluated: 2021-07-30. Review status: criteria provided, single submitter. Criteria: ACMG Guidelines, 2015. Collection method: clinical testing. Allele origin: germline. Affected: no.

Genome-Nilou Lab
Classification: Benign for Distal myopathy with anterior tibial onset. Last evaluated: 2021-07-30. Review status: criteria provided, single submitter. Criteria: ACMG Guidelines, 2015. Collection method: clinical testing. Allele origin: germline. Affected: no.

Genome-Nilou Lab
Classification: Benign for Miyoshi muscular dystrophy 1. Last evaluated: 2021-07-30. Review status: criteria provided, single submitter. Criteria: ACMG Guidelines, 2015. Collection method: clinical testing. Allele origin: germline. Affected: no.

Illumina Laboratory Services, Illumina
Classification: Benign for Qualitative or quantitative defects of dysferlin. Last evaluated: 2018-01-12. Review status: criteria provided, single submitter. Criteria: ICSL Variant Classification Criteria 13 December 2019. Collection method: clinical testing. Allele origin: germline.
Comment: This variant was observed in the ICSL laboratory as part of a predisposition screen in an ostensibly healthy population. It had not been previously curated by ICSL or reported in the Human Gene Mutation Database (HGMD: prior to June 1st, 2018), and was therefore a candidate for classification through an automated scoring system. Utilizing variant allele frequency, disease prevalence and penetrance estimates, and inheritance mode, an automated score was calculated to assess if this variant is too frequent to cause the disease. Based on the score and internal cut-off values, a variant classified as benign is not then subjected to further curation. The score for this variant resulted in a classification of benign for this disease.

GeneDx
Classification: Benign. Last evaluated: 2016-01-25. Review status: criteria provided, single submitter. Criteria: GeneDx Variant Classification (06012015). Collection method: clinical testing. Allele origin: germline. Affected: yes.
Comment: This variant is considered likely benign or benign based on one or more of the following criteria: it is a conservative change, it occurs at a poorly conserved position in the protein, it is predicted to be benign by multiple in silico algorithms, and/or has population frequency not consistent with disease.

Eurofins Ntd Llc (ga)
Classification: Benign. Last evaluated: 2015-04-24. Review status: criteria provided, single submitter. Criteria: EGL Classification Definitions 2015. Collection method: clinical testing. Allele origin: germline. Observed: 46 variant alleles, 38 heterozygotes, 8 homozygotes.

Laboratory for Molecular Medicine, Mass General Brigham Personalized Medicine
Classification: Benign. Last evaluated: 2015-01-13. Review status: criteria provided, single submitter. Criteria: LMM Criteria. Collection method: clinical testing. Allele origin: germline. Observed: 3 variant alleles.
Comment: c.1276+11C>T in intron 13 of DYSF: This variant is not expected to have clinical significance because it is not located within the conserved splice consensus se quence. It has been identified in 18.7% (824/4406) of African American chromosom es from a broad population by the NHLBI Exome Sequencing Project (.; dbSNP rs35982795).

Breakthrough Genomics
Classification: Likely benign. Review status: criteria provided, single submitter. Criteria: ACMG Guidelines, 2015. Collection method: not provided. Allele origin: germline. Inheritance: Autosomal recessive inheritance. Affected: yes.

PreventionGenetics, part of Exact Sciences
Classification: Benign. Review status: criteria provided, single submitter. Criteria: ACMG Guidelines, 2015. Collection method: clinical testing. Allele origin: germline.

Dr. Peter K. Rogan Lab, Western University
No classification provided (evidence only). Condition: Cholangiocarcinoma. Review status: no classification provided. Collection method: in vitro. Allele origin: not applicable. Functional consequence: retained intron. Not counted in ClinVar's aggregate classification.

Dr. Peter K. Rogan Lab, Western University
No classification provided (evidence only). Condition: Uveal melanoma. Review status: no classification provided. Collection method: in vitro. Allele origin: not applicable. Functional consequence: retained intron. Not counted in ClinVar's aggregate classification.